The following is an entry in ClinVar:

NM_001353694.2(TIAM1):c.1524C>A (p.His508Gln)

Gene: TIAM1 (TIAM Rac1 associated GEF 1; minus strand). Cytogenetic location: 21q22.11.
Variant type: single nucleotide variant.
Coding change: c.1524C>A on transcript NM_001353694.2 (MANE Select); coding-DNA position 1524, C replaced by A.
Protein change: p.His508Gln; replaces histidine 508 with glutamine.
Molecular consequence: missense variant.
Genome position (GRCh38, 1-based): chr21:31,245,548, G>T on the plus strand (C>A on the coding strand, the complement: TIAM1 is on the minus strand). VCF-style: chr21-31245548-G-T. GRCh37 (hg19) VCF-style: chr21-32617864-G-T.
Other names: c.1524C>A, p.His508Gln (NM_001353686.2, NM_001353687.2, NM_001353688.1 and 6 more transcripts); short protein forms H508Q.
Identifiers: ClinVar variation 2429067 (VCV002429067.4), dbSNP rs145539627, ClinGen allele CA410049584.

ClinVar aggregate classification (germline): Uncertain significance (1 of 4 stars; one submission).

Submission:

Greenwood Genetic Center Diagnostic Laboratories, Greenwood Genetic Center
Classification: Uncertain significance. Last evaluated: 2022-10-11. Review status: criteria provided, single submitter. Criteria: ACMG Guidelines, 2015. Collection method: clinical testing. Allele origin: germline. Affected: yes.
Comment: Gene of Uncertain Significance